The following is an entry in ClinVar:

ClinVar aggregate classification (germline): Conflicting classifications of pathogenicity. Review status: criteria provided, conflicting classifications (1 of 4 stars). 10 submissions from 10 submitters: Likely pathogenic (5); Uncertain significance (3). 2 of the submissions do not count toward it. Last evaluated 2026-07-22.

Conditions:
Cardiovascular phenotype. Identifiers: MedGen CN230736.
Cardiomyopathy (CMYO). Also called: Cardiomyopathies. Identifiers: Orphanet 167848, MedGen C0878544, MONDO:0004994, HP:0001638. Inheritance: Various modes of inheritance.
Dilated cardiomyopathy 1S (CMD1S). Identifiers: Orphanet 154, Orphanet 54260, MedGen C1834481, MONDO:0013262, OMIM 613426.
MYH7-related disorder. Also called: MYH7-related disorders; MYH7-related condition; MYH7-related disease.
Hypertrophic cardiomyopathy. Also called: HYPERTROPHIC MYOCARDIOPATHY. Identifiers: Orphanet 217569, MedGen C0007194, MeSH D002312, MONDO:0005045, HP:0001639.

Allele frequency attached by ClinVar (database versions not stated): gnomAD exomes below 0.00001.

Submissions (10):

Ambry Genetics
Classification: Uncertain significance for Cardiovascular phenotype. Last evaluated: 2026-07-22. Review status: criteria provided, single submitter. Criteria: Ambry Variant Classification Scheme 2023. Collection method: clinical testing. Allele origin: germline.
Comment: The p.R819W variant (also known as c.2455C>T), located in coding exon 20 of the MYH7 gene, results from a C to T substitution at nucleotide position 2455. The arginine at codon 819 is replaced by tryptophan, an amino acid with dissimilar properties. This variant was identified in one or more individuals with features consistent with dilated cardiomyopathy with or without left ventricular noncompaction, and segregated with disease in at least one family (Walsh R et al. Genet Med, 2017 Feb;19:192-203; external communication; Ambry internal data). This variant was also identified in one or more individuals with features consistent with left ventricular noncompaction without mention of dilated cardiomyopathy (Janin A et al. Mol Diagn Ther. 2021 May;25(3):373-385; Meshkov AN et al. Front Cardiovasc Med. 2023 May;10:1205787; external communication). This amino acid position is highly conserved in available vertebrate species. In addition, this alteration is predicted to be deleterious by in silico analysis. Based on the available evidence, the clinical significance of this variant remains unclear.

MVZ Medizinische Genetik Mainz
Classification: Likely pathogenic for Dilated cardiomyopathy 1S. Last evaluated: 2026-06-30. Review status: criteria provided, single submitter. Criteria: UK Practice Guidelines For Variant Classification V4 01 2020. Collection method: clinical testing. Allele origin: germline. Inheritance: Autosomal dominant inheritance. Affected: yes. Observed: 1 variant allele.
Comment: ACMG Criteria: PS4,PM2_SUP,PP3

Labcorp Genetics (formerly Invitae), Labcorp
Classification: Likely pathogenic for Hypertrophic cardiomyopathy. Last evaluated: 2025-01-22. Review status: criteria provided, single submitter. Criteria: Invitae Variant Classification Sherloc (09022015). Collection method: clinical testing. Allele origin: germline.
Comment: This sequence change replaces arginine, which is basic and polar, with tryptophan, which is neutral and slightly polar, at codon 819 of the MYH7 protein (p.Arg819Trp). This variant is not present in population databases (gnomAD no frequency). This missense change has been observed in individual(s) with dilated cardiomyopathy and/or left ventricular noncompaction cardiomyopathy (PMID: 27532257, 37342443, 37652022; internal data). It has also been observed to segregate with disease in related individuals. ClinVar contains an entry for this variant (Variation ID: 418361). Invitae Evidence Modeling of protein sequence and biophysical properties (such as structural, functional, and spatial information, amino acid conservation, physicochemical variation, residue mobility, and thermodynamic stability) indicates that this missense variant is expected to disrupt MYH7 protein function with a positive predictive value of 95%. In summary, the currently available evidence indicates that the variant is pathogenic, but additional data are needed to prove that conclusively. Therefore, this variant has been classified as Likely Pathogenic.

All of Us Research Program, National Institutes of Health
Classification: Uncertain significance for Cardiomyopathy. Last evaluated: 2024-05-14. Review status: criteria provided, single submitter. Criteria: ACMG Guidelines, 2015. Collection method: clinical testing. Allele origin: germline. Inheritance: Autosomal dominant inheritance. Observed: 1 variant allele, 1 heterozygote.
Comment: This missense variant replaces arginine with tryptophan at codon 819 in the myosin head/motor domain of the MYH7 protein. Computational prediction tools indicate that this variant has a deleterious impact on protein structure and function. To our knowledge, functional studies have not been reported for this variant. This variant has been reported in two individuals affected with dilated cardiomyopathy (PMID: 27532257; Color internal data). It has also been reported in one individual affected with left ventricular noncompaction (PMID: 37342443) and in one individual affected with an unspecified cardiomyopathy (PMID: 37477868). This variant has not been identified in the general population by the Genome Aggregation Database (gnomAD). The available evidence is insufficient to determine the role of this variant in disease conclusively. Therefore, this variant is classified as a Variant of Uncertain Significance.

This study involves interpretation of variants in research participants for the purpose of population health screening. Participant phenotype was not available at the time of variant classification. Additional details can be found in publication PMID: 35346344, PMCID: PMC8962531

Color Diagnostics, LLC DBA Color Health
Classification: Uncertain significance for Cardiomyopathy. Last evaluated: 2024-04-25. Review status: criteria provided, single submitter. Criteria: ACMG Guidelines, 2015. Collection method: clinical testing. Allele origin: germline.
Comment: This missense variant replaces arginine with tryptophan at codon 819 in the myosin head/motor domain of the MYH7 protein. Computational prediction tools indicate that this variant has a deleterious impact on protein structure and function. To our knowledge, functional studies have not been reported for this variant. This variant has been reported in two individuals affected with dilated cardiomyopathy (PMID: 27532257; Color internal data). It has also been reported in one individual affected with left ventricular noncompaction (PMID: 37342443) and in one individual affected with an unspecified cardiomyopathy (PMID: 37477868). This variant has not been identified in the general population by the Genome Aggregation Database (gnomAD). The available evidence is insufficient to determine the role of this variant in disease conclusively. Therefore, this variant is classified as a Variant of Uncertain Significance.

Lildballe Lab, Aarhus University Hospital
Classification: Likely pathogenic for Hypertrophic cardiomyopathy. Last evaluated: 2024-03-01. Review status: criteria provided, single submitter. Criteria: ACMG Guidelines, 2015. Collection method: research. Allele origin: germline. Affected: yes.
Comment: PS4(s), PM1(m), PM2 (sup),

Blueprint Genetics
Classification: Likely pathogenic for MYH7-related disorders. Last evaluated: 2023-12-22. Review status: criteria provided, single submitter. Criteria: ACMG Guidelines, 2015. Collection method: clinical testing. Allele origin: germline. Affected: yes. Observed: 2 variant alleles.

GeneDx
Classification: Likely pathogenic. Last evaluated: 2022-09-29. Review status: criteria provided, single submitter. Criteria: GeneDx Variant Classification Process June 2021. Collection method: clinical testing. Allele origin: germline. Affected: yes.
Comment: Not observed at significant frequency in large population cohorts (gnomAD); In silico analysis supports that this missense variant has a deleterious effect on protein structure/function; Reported in one individual with DCM (Walsh et al., 2017) and has been identified in individuals with a reported history of LVNC who were referred for DCM/LVNC genetic testing at GeneDx; This variant is associated with the following publications: (PMID: 27532257, 29300372, 31983221)

Clinical Genetics DNA and cytogenetics Diagnostics Lab, Erasmus MC, Erasmus Medical Center
Classification: Uncertain significance. Review status: no assertion criteria provided. Collection method: clinical testing. Allele origin: germline. Affected: yes. Study: VKGL Data-share Consensus. Not counted in ClinVar's aggregate classification.

Joint Genome Diagnostic Labs from Nijmegen and Maastricht, Radboudumc and MUMC+
Classification: Uncertain significance. Review status: no assertion criteria provided. Collection method: clinical testing. Allele origin: germline. Affected: yes. Study: VKGL Data-share Consensus. Not counted in ClinVar's aggregate classification.

Literature cited by the submitters: PubMed 27532257 (cited by 4 submitters); PubMed 33954932 (cited by Ambry Genetics); PubMed 37342443 (cited by 4 submitters); PubMed 37652022 (cited by Labcorp Genetics (formerly Invitae), Labcorp); PubMed 37477868 (cited by All of Us Research Program, National Institutes of Health and Color Diagnostics, LLC DBA Color Health); PubMed 25741895 (cited by Lildballe Lab, Aarhus University Hospital); PubMed 39481677 (cited by Lildballe Lab, Aarhus University Hospital).

NM_000257.4(MYH7):c.2455C>T (p.Arg819Trp)

Genes: MYH7 (myosin heavy chain 7; minus strand), LOC126861898 (BRD4-independent group 4 enhancer GRCh37_chr14:23893609-23894808; plus strand). Cytogenetic location: 14q11.2.
Variant type: single nucleotide variant.
Coding change: c.2455C>T on transcript NM_000257.4 (MANE Select); coding-DNA position 2455, C replaced by T.
Protein change: p.Arg819Trp; replaces arginine 819 with tryptophan.
Molecular consequence: missense variant.
Genome position (GRCh38, 1-based): chr14:23,424,993, G>A on the plus strand (C>T on the coding strand, the complement: MYH7 is on the minus strand). VCF-style: chr14-23424993-G-A. GRCh37 (hg19) VCF-style: chr14-23894202-G-A.
Other names: c.2455C>T (LRG_384t1); short protein forms R819W.
Identifiers: ClinVar variation 418361 (VCV000418361.23), dbSNP rs1064793206, ClinGen allele CA16619849.